The following is an entry in ClinVar:

ClinVar aggregate classification (germline): Uncertain significance (1 of 4 stars; one submission).

Conditions:
Peroxisome biogenesis disorder 7B (PBD7B). Identifiers: Orphanet 44, MedGen C3553951, MONDO:0013939, OMIM 614873.
Peroxisome biogenesis disorder 7A (Zellweger). Also called: Peroxisome biogenesis disorder 7A. Identifiers: Orphanet 912, MedGen C3888385, MONDO:0013938, OMIM 614872.

Submission:

Labcorp Genetics (formerly Invitae), Labcorp
Classification: Uncertain significance for Peroxisome biogenesis disorder 7A (Zellweger); Peroxisome biogenesis disorder 7B. Last evaluated: 2024-10-16. Review status: criteria provided, single submitter. Criteria: Invitae Variant Classification Sherloc (09022015). Collection method: clinical testing. Allele origin: germline.
Comment: This sequence change replaces alanine, which is neutral and non-polar, with aspartic acid, which is acidic and polar, at codon 258 of the PEX26 protein (p.Ala258Asp). This variant is not present in population databases (gnomAD no frequency). This variant has not been reported in the literature in individuals affected with PEX26-related conditions. ClinVar contains an entry for this variant (Variation ID: 2121443). Invitae Evidence Modeling of protein sequence and biophysical properties (such as structural, functional, and spatial information, amino acid conservation, physicochemical variation, residue mobility, and thermodynamic stability) has been performed for this missense variant. However, the output from this modeling did not meet the statistical confidence thresholds required to predict the impact of this variant on PEX26 protein function. In summary, the available evidence is currently insufficient to determine the role of this variant in disease. Therefore, it has been classified as a Variant of Uncertain Significance.

NM_001127649.3(PEX26):c.773C>A (p.Ala258Asp)

Gene: PEX26 (peroxisomal biogenesis factor 26; plus strand). Cytogenetic location: 22q11.21.
Variant type: single nucleotide variant.
Coding change: c.773C>A on transcript NM_001127649.3 (MANE Select); coding-DNA position 773, C replaced by A.
Protein change: p.Ala258Asp; replaces alanine 258 with aspartic acid.
Molecular consequence: missense variant. On other transcripts: intron variant (1).
Genome position (GRCh38, 1-based): chr22:18,085,217, C>A. VCF-style: chr22-18085217-C-A. GRCh37 (hg19) VCF-style: chr22-18567983-C-A.
Other names: c.773C>A, p.Ala258Asp (NM_017929.6); c.667+1485C>A (NM_001199319.2); short protein forms A258D.
Identifiers: ClinVar variation 2121443 (VCV002121443.4), dbSNP rs2517673498, ClinGen allele CA410268678.